The following is an entry in ClinVar:

NM_001365276.2(TNXB):c.10387A>G (p.Ser3463Gly)

Gene: TNXB (tenascin XB; minus strand). Cytogenetic location: 6p21.33.
Variant type: single nucleotide variant.
Coding change: c.10387A>G on transcript NM_001365276.2 (MANE Select); coding-DNA position 10387, A replaced by G.
Protein change: p.Ser3463Gly; replaces serine 3463 with glycine.
Molecular consequence: missense variant.
Genome position (GRCh38, 1-based): chr6:32,046,394, T>C on the plus strand (A>G on the coding strand, the complement: TNXB is on the minus strand). VCF-style: chr6-32046394-T-C. GRCh37 (hg19) VCF-style: chr6-32014171-T-C.
Other names: c.10381A>G, p.Ser3461Gly (NM_019105.8); short protein forms S3463G, S3461G.
Identifiers: ClinVar variation 1773036 (VCV001773036.2), dbSNP rs781468221, ClinGen allele CA3733237.

ClinVar aggregate classification (germline): Uncertain significance (1 of 4 stars; one submission).

Conditions:
Cardiovascular phenotype. Identifiers: MedGen CN230736.

Allele frequency attached by ClinVar (database versions not stated): gnomAD 0.00001; gnomAD exomes 0.00001; ExAC 0.00002.
gnomAD v4.1: 12 of 1,587,958 alleles (0.00076%); highest among the groups gnomAD compares: South Asian, 0.012%; no homozygotes.

Submission:

Ambry Genetics
Classification: Uncertain significance for Cardiovascular phenotype. Last evaluated: 2022-10-02. Review status: criteria provided, single submitter. Criteria: Ambry Variant Classification Scheme 2023. Collection method: clinical testing. Allele origin: germline.
Comment: The p.S3461G variant (also known as c.10381A>G), located in coding exon 30 of the TNXB gene, results from an A to G substitution at nucleotide position 10381. The serine at codon 3461 is replaced by glycine, an amino acid with similar properties. This amino acid position is conserved. In addition, this alteration is predicted to be tolerated by in silico analysis. Since supporting evidence is limited at this time, the clinical significance of this alteration remains unclear.